The following is an entry in ClinVar:

ClinVar aggregate classification (germline): Uncertain significance (1 of 4 stars; one submission).

Conditions:
Duchenne muscular dystrophy (DMD). Also called: Duchenne Muscular Dystrophy (DMD); MUSCULAR DYSTROPHY, PSEUDOHYPERTROPHIC PROGRESSIVE, DUCHENNE TYPE. Identifiers: Orphanet 98896, MedGen C0013264, MONDO:0010679, OMIM 310200.

Submission:

Labcorp Genetics (formerly Invitae), Labcorp
Classification: Uncertain significance for Duchenne muscular dystrophy. Last evaluated: 2021-12-03. Review status: criteria provided, single submitter. Criteria: Invitae Variant Classification Sherloc (09022015). Collection method: clinical testing. Allele origin: germline.
Comment: This sequence change replaces glutamic acid, which is acidic and polar, with aspartic acid, which is acidic and polar, at codon 367 of the DMD protein (p.Glu367Asp). This variant is not present in population databases (gnomAD no frequency). This variant has not been reported in the literature in individuals affected with DMD-related conditions. Algorithms developed to predict the effect of missense changes on protein structure and function are either unavailable or do not agree on the potential impact of this missense change (SIFT: "Tolerated"; PolyPhen-2: "Possibly Damaging"; Align-GVGD: "Class C0"). In summary, the available evidence is currently insufficient to determine the role of this variant in disease. Therefore, it has been classified as a Variant of Uncertain Significance.

NM_004006.3(DMD):c.1101G>C (p.Glu367Asp)

Gene: DMD (dystrophin; minus strand). Cytogenetic location: Xp21.1.
Variant type: single nucleotide variant.
Coding change: c.1101G>C on transcript NM_004006.3 (MANE Select); coding-DNA position 1101, G replaced by C.
Protein change: p.Glu367Asp; replaces glutamic acid 367 with aspartic acid.
Molecular consequence: missense variant.
Genome position (GRCh38, 1-based): chrX:32,645,012, C>G on the plus strand (G>C on the coding strand, the complement: DMD is on the minus strand). VCF-style: chrX-32645012-C-G. GRCh37 (hg19) VCF-style: chrX-32663129-C-G.
Other names: c.1077G>C, p.Glu359Asp (NM_000109.4); c.1089G>C, p.Glu363Asp (NM_004009.3); c.732G>C, p.Glu244Asp (NM_004010.3); short protein forms E244D, E359D, E363D, E367D.
Identifiers: ClinVar variation 1473434 (VCV001473434.8), dbSNP rs2146833091, ClinGen allele CA412661853.
Genomic context (GRCh38, chrX:32,645,012, plus strand): 5'-GTTTTAGTTTACCTCATGAGTATGAAACTGGTCTTTCACCACTTCCACATCATTAGAAAT[C>G]TCTCCTTGTGCTTGCAATGTGTCCTCAGCAGAAAGAAGCCACGATAATACTTCTTCTAAA-3'
Protein context (NP_003997.2, residues 357-377): SAEDTLQAQG[Glu367Asp]ISNDVEVVKD